The following is an entry in ClinVar:

ClinVar aggregate classification (germline): Likely benign (1 of 4 stars; one submission).

Conditions:
Cataract 15 multiple types. Also called: CATARACT 15, LAMELLAR WITH SUTURAL OPACITIES. Identifiers: Orphanet 91492, MedGen C3809001, MONDO:0014110, OMIM 615274.

Allele frequency attached by ClinVar (database versions not stated): ESP Exome Variant Server 0.00015; gnomAD exomes 0.00159 and 0.00411; gnomAD 0.00170 and 0.00212; TOPMed 0.00198; ExAC 0.00418; 1000 Genomes Project 0.00619.
gnomAD v4.1: 2,645 of 1,613,744 alleles (0.16%); highest among the groups gnomAD compares: East Asian, 4.6%; 62 homozygotes.

Submission:

Illumina Laboratory Services, Illumina
Classification: Likely benign for Cataract 15 multiple types. Last evaluated: 2017-04-27. Review status: criteria provided, single submitter. Criteria: ICSL Variant Classification Criteria 13 December 2019. Collection method: clinical testing. Allele origin: germline.
Comment: This variant was observed as part of a predisposition screen in an ostensibly healthy population. A literature search was performed for the gene, cDNA change, and amino acid change (where applicable). Publications were found based on this search. The evidence from the literature, in combination with allele frequency data from public databases where available, was sufficient to determine this variant is unlikely to cause disease. Therefore, this variant is classified as likely benign.

Literature cited by the submitters: PubMed 21921980.

NM_012064.4(MIP):c.-4T>C

Gene: MIP (major intrinsic protein of lens fiber; minus strand). Cytogenetic location: 12q13.3.
Variant type: single nucleotide variant.
Coding change: c.-4T>C on transcript NM_012064.4 (MANE Select); 4 bases upstream of the start codon, T replaced by C.
Molecular consequence: 5 prime UTR variant.
Genome position (GRCh38, 1-based): chr12:56,454,617, A>G on the plus strand (T>C on the coding strand, the complement: MIP is on the minus strand). VCF-style: chr12-56454617-A-G. GRCh37 (hg19) VCF-style: chr12-56848401-A-G.
Identifiers: ClinVar variation 309888 (VCV000309888.5), dbSNP rs117788190, ClinGen allele CA6632675.